The following is an entry in ClinVar:

ClinVar aggregate classification (germline): Uncertain significance (1 of 4 stars; one submission).

Allele frequency attached by ClinVar (database versions not stated): ExAC 0.00003; gnomAD exomes 0.00003; gnomAD 0.00007; TOPMed 0.00007; ESP Exome Variant Server 0.00008.
gnomAD v4.1: 59 of 1,577,506 alleles (0.0037%); highest among the groups gnomAD compares: Middle Eastern, 0.033%; no homozygotes.

Submission:

Labcorp Genetics (formerly Invitae), Labcorp
Classification: Uncertain significance. Last evaluated: 2025-10-06. Review status: criteria provided, single submitter. Criteria: Invitae Variant Classification Sherloc (09022015). Collection method: clinical testing. Allele origin: germline.
Comment: This sequence change replaces arginine, which is basic and polar, with histidine, which is basic and polar, at codon 785 of the DOCK6 protein (p.Arg785His). The frequency data for this variant in the population databases is considered unreliable, as metrics indicate poor data quality at this position in the gnomAD database. This variant has not been reported in the literature in individuals affected with DOCK6-related conditions. ClinVar contains an entry for this variant (Variation ID: 1412418). Invitae Evidence Modeling of protein sequence and biophysical properties (such as structural, functional, and spatial information, amino acid conservation, physicochemical variation, residue mobility, and thermodynamic stability) indicates that this missense variant is not expected to disrupt DOCK6 protein function with a negative predictive value of 80%. In summary, the available evidence is currently insufficient to determine the role of this variant in disease. Therefore, it has been classified as a Variant of Uncertain Significance.

NM_020812.4(DOCK6):c.2354G>A (p.Arg785His)

Gene: DOCK6 (dedicator of cytokinesis 6; minus strand). Cytogenetic location: 19p13.2.
Variant type: single nucleotide variant.
Coding change: c.2354G>A on transcript NM_020812.4 (MANE Select); coding-DNA position 2354, G replaced by A.
Protein change: p.Arg785His; replaces arginine 785 with histidine.
Molecular consequence: missense variant.
Genome position (GRCh38, 1-based): chr19:11,236,384, C>T on the plus strand (G>A on the coding strand, the complement: DOCK6 is on the minus strand). VCF-style: chr19-11236384-C-T. GRCh37 (hg19) VCF-style: chr19-11347060-C-T.
Other names: c.2354G>A, p.Arg785His (NM_001367830.1); short protein forms R785H.
Identifiers: ClinVar variation 1412418 (VCV001412418.6), dbSNP rs369679393, ClinGen allele CA9207658.